The following is an entry in ClinVar:

ClinVar aggregate classification (germline): Pathogenic (1 of 4 stars; one submission).

Conditions:
Tuberous sclerosis 1 (TSC1). Identifiers: Orphanet 805, MedGen C1854465, MONDO:0008612, OMIM 191100.

Submission:

Labcorp Genetics (formerly Invitae), Labcorp
Classification: Pathogenic for Tuberous sclerosis 1. Last evaluated: 2022-07-21. Review status: criteria provided, single submitter. Criteria: Invitae Variant Classification Sherloc (09022015). Collection method: clinical testing. Allele origin: germline.
Comment: For these reasons, this variant has been classified as Pathogenic. This variant has not been reported in the literature in individuals affected with TSC1-related conditions. This variant is not present in population databases (gnomAD no frequency). This sequence change creates a premature translational stop signal (p.Lys708*) in the TSC1 gene. It is expected to result in an absent or disrupted protein product. Loss-of-function variants in TSC1 are known to be pathogenic (PMID: 10227394, 17304050).

Literature cited by the submitters: PubMed 10227394; PubMed 17304050.

NM_000368.5(TSC1):c.2122A>T (p.Lys708Ter)

Gene: TSC1 (TSC complex subunit 1; minus strand). Cytogenetic location: 9q34.13.
Variant type: single nucleotide variant.
Coding change: c.2122A>T on transcript NM_000368.5 (MANE Select); coding-DNA position 2122, A replaced by T.
Protein change: p.Lys708Ter; replaces lysine 708 with a stop codon.
Molecular consequence: nonsense.
Genome position (GRCh38, 1-based): chr9:132,903,737, T>A on the plus strand (A>T on the coding strand, the complement: TSC1 is on the minus strand). VCF-style: chr9-132903737-T-A. GRCh37 (hg19) VCF-style: chr9-135779124-T-A.
Other names: c.1969A>T, p.Lys657Ter (NM_001406610.1, NM_001162427.2); c.1966A>T, p.Lys656Ter (NM_001406611.1, NM_001406612.1, NM_001406613.1); c.1759A>T, p.Lys587Ter (NM_001406614.1, NM_001406615.1, NM_001406616.1 and 5 more transcripts); c.2119A>T, p.Lys707Ter (NM_001162426.2, NM_001406597.1, NM_001406598.1 and 4 more transcripts); c.2122A>T, p.Lys708Ter (NM_001406592.1, NM_001406593.1, NM_001406594.1 and 5 more transcripts); c.2107A>T, p.Lys703Ter (NM_001406601.1, NM_001406602.1); c.2104A>T, p.Lys702Ter (NM_001406603.1, NM_001406604.1); c.1756A>T, p.Lys586Ter (NM_001406620.1, NM_001406621.1, NM_001406622.1 and 2 more transcripts); and 3 more; short protein forms K702*, K707*, K708*, K357*, K390*, K656*, K703*, K586*.
Identifiers: ClinVar variation 2018751 (VCV002018751.4), dbSNP rs1845500801, ClinGen allele CA375361003.